The following is an entry in ClinVar:

NM_005996.4(TBX3):c.48dup (p.Tyr17fs)

Genes: TBX3 (T-box transcription factor 3; minus strand), TBX3-AS1 (TBX3 antisense RNA 1; plus strand). Cytogenetic location: 12q24.21.
Variant type: Duplication.
Coding change: c.48dup on transcript NM_005996.4 (MANE Select); coding-DNA position 48, one base duplicated (C; older notation c.48dupC).
Protein change: p.Tyr17fs; shifts the reading frame from tyrosine 17.
Molecular consequence: frameshift variant.
Genome position (GRCh38, 1-based): chr12:114,683,153, G duplicated on the plus strand (C on the coding strand, the reverse complement: TBX3 is on the minus strand); the first of 2 consecutive G bases (chr12:114,683,153-114,683,154); duplicating either gives the same sequence. VCF-style (leftmost placement, unchanged base first): chr12-114683152-A-AG. GRCh37 (hg19) VCF-style: chr12-115120957-A-AG.
Other names: c.48dup, p.Tyr17fs (NM_016569.4); short protein forms Y17fs.
Identifiers: ClinVar variation 4720369 (VCV004720369.1).

ClinVar aggregate classification (germline): Pathogenic (1 of 4 stars; one submission).

Conditions:
Ulnar-mammary syndrome (UMS). Also called: PALLISTER ULNAR-MAMMARY SYNDROME; Ulnar-mammary syndrome of Pallister; SCHINZEL SYNDROME. Identifiers: Orphanet 3138, MedGen C1866994, MONDO:0008411, OMIM 181450.

Submission:

Labcorp Genetics (formerly Invitae), Labcorp
Classification: Pathogenic for Ulnar-mammary syndrome. Last evaluated: 2025-05-27. Review status: criteria provided, single submitter. Criteria: Invitae Variant Classification Sherloc (09022015). Collection method: clinical testing. Allele origin: germline.
Comment: This sequence change creates a premature translational stop signal (p.Tyr17Leufs*94) in the TBX3 gene. It is expected to result in an absent or disrupted protein product. Loss-of-function variants in TBX3 are known to be pathogenic (PMID: 12668170, 16896345). This variant is not present in population databases (gnomAD no frequency). This variant has not been reported in the literature in individuals affected with TBX3-related conditions. For these reasons, this variant has been classified as Pathogenic.

Literature cited by the submitters: PubMed 12668170; PubMed 16896345.